The following is an entry in ClinVar:

ClinVar aggregate classification (germline): Uncertain significance (1 of 4 stars; one submission).

Conditions:
Fabry disease. Also called: ALPHA-GALACTOSIDASE A DEFICIENCY; ANDERSON-FABRY DISEASE; CERAMIDE TRIHEXOSIDASE DEFICIENCY; GLA DEFICIENCY; HEREDITARY DYSTOPIC LIPIDOSIS; Angiokeratoma corporis diffusum. Identifiers: Orphanet 324, MedGen C0002986, MONDO:0010526, OMIM 301500, HP:0001071. Disease mechanism: Fabry disease is due to inactivating mutations in the X-linked GLA gene resulting in deficiency of the enzyme Alpha Galactosidase-A., loss of function.

Submission:

Genomenon, Inc
Classification: Uncertain significance for Fabry disease. Last evaluated: 2026-09-08. Review status: criteria provided, single submitter. Criteria: Genomenon Sequence Variant Interpretation Standards - Updated. Collection method: curation. Allele origin: germline. Affected: no.
Comment: GLA p.Arg118Gly (c.352C>G) is a missense variant that changes the amino acid at codon 118 from Arginine to Glycine. This variant has been reported in the published literature (PMID:23935525). It is absent or not present at a significant frequency in gnomAD. In conclusion, we classify GLA p.Arg118Gly (c.352C>G) as a variant of uncertain significance.

Literature cited by the submitters: PubMed 23935525.

NM_000169.3(GLA):c.352C>G (p.Arg118Gly)

Genes: GLA (galactosidase alpha; minus strand), RPL36A-HNRNPH2 (RPL36A-HNRNPH2 readthrough; plus strand). Cytogenetic location: Xq22.1.
Variant type: single nucleotide variant.
Coding change: c.352C>G on transcript NM_000169.3 (MANE Select); coding-DNA position 352, C replaced by G.
Protein change: p.Arg118Gly; replaces arginine 118 with glycine.
Molecular consequence: missense variant. On other transcripts: non-coding transcript variant (3), intron variant (2).
Genome position (GRCh38, 1-based): chrX:101,403,828, G>C on the plus strand (C>G on the coding strand, the complement: GLA is on the minus strand). VCF-style: chrX-101403828-G-C. GRCh37 (hg19) VCF-style: chrX-100658816-G-C.
Other names: c.475C>G, p.Arg159Gly (NM_001406747.1, NM_001406749.1); c.352C>G, p.Arg118Gly (NM_001406748.1); c.301-8108G>C (NM_001199973.2); c.178-8108G>C (NM_001199974.2); short protein forms R118G, R159G.
Identifiers: ClinVar variation 4087346 (VCV004087346.2).
Genomic context (GRCh38, chrX:101,403,828, plus strand): 5'-TTACAGTCCTCTGAATGAACAAGAACATTATCTATAAACTCACATAATTAGCTAGCTGGC[G>C]AATCCCATGAGGAAAGCGCTGAGGGTCTGCCTGAAGTCTGCCTTCTGAATCTCTTTGGGG-3'
Protein context (NP_000160.1, residues 108-128): ADPQRFPHGI[Arg118Gly]QLANYVHSKG